The following is an entry in ClinVar:

NM_000377.3(WAS):c.385G>C (p.Ala129Pro)

Gene: WAS (WASP actin nucleation promoting factor; plus strand). Cytogenetic location: Xp11.23.
Variant type: single nucleotide variant.
Coding change: c.385G>C on transcript NM_000377.3 (MANE Select); coding-DNA position 385, G replaced by C.
Protein change: p.Ala129Pro; replaces alanine 129 with proline.
Molecular consequence: missense variant.
Genome position (GRCh38, 1-based): chrX:48,685,758, G>C. VCF-style: chrX-48685758-G-C. GRCh37 (hg19) VCF-style: chrX-48544147-G-C.
Other names: short protein forms A129P.
Identifiers: ClinVar variation 2572504 (VCV002572504.4), dbSNP rs2519280765, ClinGen allele CA412867503.

ClinVar aggregate classification (germline): Uncertain significance. Review status: criteria provided, multiple submitters, no conflicts (2 of 4 stars). 2 submissions from 2 submitters: Uncertain significance (2). Last evaluated 2023-11-10.

Conditions:
Thrombocytopenia 1. Also called: X-Linked Thrombocytopenia (XLT); THROMBOCYTOPENIA, X-LINKED, 1; X-linked thrombocytopenia with normal platelets. Identifiers: Orphanet 268322, Orphanet 852, MedGen C1839163, MONDO:0010743, OMIM 313900.
Wiskott-Aldrich syndrome (WAS). Also called: ALDRICH SYNDROME; IMMUNODEFICIENCY 2; Wiskott-aldrich syndrome, somatic; WISKOTT-ALDRICH SYNDROME 1. Identifiers: Orphanet 906, MedGen C0043194, MONDO:0010518, OMIM 301000.
X-linked severe congenital neutropenia (SCNX). Identifiers: Orphanet 86788, MedGen C1845987, MONDO:0010294, OMIM 300299.

Submissions (2):

Labcorp Genetics (formerly Invitae), Labcorp
Classification: Uncertain significance for Wiskott-Aldrich syndrome; X-linked severe congenital neutropenia; Thrombocytopenia 1. Last evaluated: 2023-11-10. Review status: criteria provided, single submitter. Criteria: Invitae Variant Classification Sherloc (09022015). Collection method: clinical testing. Allele origin: germline.
Comment: This sequence change replaces alanine, which is neutral and non-polar, with proline, which is neutral and non-polar, at codon 129 of the WAS protein (p.Ala129Pro). This variant is not present in population databases (gnomAD no frequency). This variant has not been reported in the literature in individuals affected with WAS-related conditions. ClinVar contains an entry for this variant (Variation ID: 2572504). Advanced modeling of protein sequence and biophysical properties (such as structural, functional, and spatial information, amino acid conservation, physicochemical variation, residue mobility, and thermodynamic stability) performed at Invitae indicates that this missense variant is expected to disrupt WAS protein function with a positive predictive value of 80%. In summary, the available evidence is currently insufficient to determine the role of this variant in disease. Therefore, it has been classified as a Variant of Uncertain Significance.

3billion
Classification: Uncertain significance for Wiskott-Aldrich syndrome. Review status: criteria provided, single submitter. Criteria: ACMG Guidelines, 2015. Collection method: clinical testing. Allele origin: unknown. Affected: yes. Observed: 1 hemizygote.
Comment: The variant is not observed in the gnomAD v2.1.1 dataset. In silico tool predictions suggest damaging effect of the variant on gene or gene product (REVEL: 0.83; 3Cnet: 0.93). However, the evidence of pathogenicity is insufficient at this time. Therefore, this variant is classified as Uncertain significance according to the recommendation of ACMG/AMP guideline.